The following is an entry in ClinVar:

NM_001034853.2(RPGR):c.1753G>A (p.Glu585Lys)

Gene: RPGR (retinitis pigmentosa GTPase regulator; minus strand). Cytogenetic location: Xp11.4.
Variant type: single nucleotide variant.
Coding change: c.1753G>A on transcript NM_001034853.2 (MANE Select); coding-DNA position 1753, G replaced by A.
Protein change: p.Glu585Lys; replaces glutamic acid 585 with lysine.
Molecular consequence: missense variant. On other transcripts: intron variant (5).
Genome position (GRCh38, 1-based): chrX:38,287,861, C>T on the plus strand (G>A on the coding strand, the complement: RPGR is on the minus strand). VCF-style: chrX-38287861-C-T. GRCh37 (hg19) VCF-style: chrX-38147114-C-T.
Other names: NM_001034853.2(RPGR):c.1753G>A; p.Glu585Lys; NC_000023.10:g.38147114C>T; c.1753G>A, p.Glu585Lys (NM_000328.3); c.1750G>A, p.Glu584Lys (NM_001367245.1); c.1567G>A, p.Glu523Lys (NM_001367246.1); c.1569+3098G>A (NM_001367249.1, NM_001367250.1); c.1386+3098G>A (NM_001367251.1); and 2 more; short protein forms E523K, E585K, E584K.
Identifiers: ClinVar variation 866825 (VCV000866825.5), dbSNP rs2067215010, ClinGen allele CA412736653.

ClinVar aggregate classification (germline): Pathogenic. Review status: reviewed by expert panel (3 of 4 stars). 3 submissions from 3 submitters: Pathogenic (1). 2 of the submissions do not count toward it. Last evaluated 2025-07-31.

Conditions:
Retinal dystrophy. Also called: Inherited retinal dystrophy. Identifiers: Orphanet 71862, MedGen C0854723, MeSH D058499, MONDO:0019118, HP:0000556.
RPGR-related retinopathy. Also called: RPGR retinopathy. Identifiers: MedGen CN305589, MONDO:0100437.

Submissions (4):

ClinGen X-linked Inherited Retinal Disease Variant Curation Expert Panel, ClinGen
Classification: Pathogenic for RPGR-related retinopathy. Last evaluated: 2025-07-31. Review status: reviewed by expert panel. Criteria: ClinGen X LinkedIRD ACMG Specifications RPGR V1.0.0. Collection method: curation. Allele origin: germline. Inheritance: X-linked inheritance.
Comment: NM_001034853.2(RPGR):c.1753G>A (p.Glu585Lys) is a missense variant located in the final nucleotide of exon 14, and encodes the substitution of glutamic acid with lysine at amino acid 585. The splicing impact predictor SpliceAI gives a score of 0.52 for donor gain, which is above the ClinGen X-linked IRD VCEP recommended threshold of ≥0.2 and predicts a damaging impact on splicing. In vitro splicing studies confirm that the variant disrupts splicing of RPGR ORF15 and causes loss of transcript heterogeneity (PMID: 32788070). While these in silico and experimental findings would normally be counted under the PP3 and PS3_Supporting codes, respectively, they have been counted in combination as evidence of a loss-of-function effect (PVS1_RNA). This variant is absent from hemizygous individuals in gnomAD v4.1.0 (PM2_Supporting). At least one proband harboring this variant exhibits a phenotype including onset in first decade of life (1 pt), decreased visual acuity (0.5 pts), night blindness (0.5 pts), severe, diffuse, granular appearance and atrophy of retinal pigment epithelium (0.5 pts), bone-spicule pigmentation (0.5 pts), and arteriolar attenuation in mid-peripheral retina (0.5 pts), with genotyping by previous exome sequencing (2 pts), which together are highly specific for RPGR-related retinopathy (5.5 points, PMID: 32788070, PP4). In summary, this variant is classified as pathogenic for RPGR-related retinopathy based on the ClinGen X-linked Inherited Retinal Disease Expert Panel Specifications to the ACMG/AMP Variant Interpretation Guidelines for RPGR Version 1.0.0: PVS1_RNA, PM2_Supporting, and PP4. (date of approval 05/16/2025).

Dept Of Ophthalmology, Nagoya University
Classification: Uncertain significance for Retinal dystrophy. Last evaluated: 2023-10-01. Review status: criteria provided, single submitter. Criteria: Submitter's publication. Collection method: research. Allele origin: germline. Affected: yes. Not counted in ClinVar's aggregate classification.

Blueprint Genetics
Classification: Uncertain significance. Last evaluated: 2018-09-18. Review status: criteria provided, single submitter. Criteria: ACMG Guidelines, 2015. Collection method: clinical testing. Allele origin: germline. Not counted in ClinVar's aggregate classification.

Dr. Peter K. Rogan Lab, Western University
No classification provided (evidence only). Condition: Nonpapillary renal cell carcinoma. Review status: no classification provided. Collection method: in vitro. Allele origin: not applicable. Functional consequence: skipped exon. Not counted in ClinVar's aggregate classification.